The following is an entry in ClinVar:

ClinVar aggregate classification (germline): Conflicting classifications of pathogenicity. Review status: criteria provided, conflicting classifications (1 of 4 stars). 7 submissions from 7 submitters: Uncertain significance (5); Likely benign (2). Last evaluated 2025-10-27.

Conditions:
Hereditary breast ovarian cancer syndrome. Also called: Hereditary breast and ovarian cancer; Breast and ovarian cancer; BRCA1- and BRCA2-Associated Hereditary Breast and Ovarian Cancer; Hereditary breast and ovarian cancer syndrome; Hereditary breast and ovarian cancer syndrome (HBOC); Hereditary breast and/or ovarian cancer syndrome. Identifiers: Orphanet 145, MedGen C0677776, MeSH D061325, MONDO:0003582. Disease mechanism: loss of function.
Hereditary cancer-predisposing syndrome. Also called: Tumor predisposition; Hereditary Cancer Syndrome; Hereditary neoplastic syndrome; Neoplastic Syndromes, Hereditary. Identifiers: Orphanet 140162, MedGen C0027672, MeSH D009386, MONDO:0015356.
Breast-ovarian cancer, familial, susceptibility to, 2 (BROVCA2). Also called: BRCA2 Hereditary Breast and Ovarian Cancer. Identifiers: Orphanet 145, MedGen C2675520, MONDO:0012933, OMIM 612555. Disease mechanism: loss of function.

Allele frequency attached by ClinVar (database versions not stated): TOPMed 0.00001; ExAC 0.00002; gnomAD exomes 0.00002.
gnomAD v4.1: 5 of 1,601,652 alleles (0.00031%); highest among the groups gnomAD compares: Admixed American, 0.0085%; no homozygotes.

Submissions (7):

Labcorp Genetics (formerly Invitae), Labcorp
Classification: Uncertain significance for Hereditary breast ovarian cancer syndrome. Last evaluated: 2025-10-27. Review status: criteria provided, single submitter. Criteria: Invitae Variant Classification Sherloc (09022015). Collection method: clinical testing. Allele origin: germline.
Comment: This sequence change replaces glycine, which is neutral and non-polar, with valine, which is neutral and non-polar, at codon 1376 of the BRCA2 protein (p.Gly1376Val). This variant is present in population databases (rs780458959, gnomAD 0.02%). This missense change has been observed in individual(s) with prostate cancer (PMID: 36922933). ClinVar contains an entry for this variant (Variation ID: 236862). Invitae Evidence Modeling of protein sequence and biophysical properties (such as structural, functional, and spatial information, amino acid conservation, physicochemical variation, residue mobility, and thermodynamic stability) indicates that this missense variant is not expected to disrupt BRCA2 protein function with a negative predictive value of 95%. RNA analysis performed to evaluate the impact of this missense change on mRNA splicing indicates it does not significantly alter splicing (internal data). In summary, the available evidence is currently insufficient to determine the role of this variant in disease. Therefore, it has been classified as a Variant of Uncertain Significance.

Quest Diagnostics Nichols Institute San Juan Capistrano
Classification: Uncertain significance. Last evaluated: 2025-09-03. Review status: criteria provided, single submitter. Criteria: Quest Diagnostics criteria. Collection method: clinical testing. Allele origin: unknown.
Comment: The BRCA2 c.4127G>T (p.Gly1376Val) variant has been reported in the published literature to be located in a region of the BRCA2 gene that is tolerant to missense sequence changes (PMID: 31911673 (2020)). To the best of our knowledge, this variant has not been reported in individuals with BRCA2-related disorders. The frequency of this variant in the general population (Genome Aggregation Database) is uninformative in the assessment of its pathogenicity. Analysis of this variant using bioinformatics tools for the prediction of the effect of amino acid changes on protein structure and function yielded predictions that this variant is benign. Based on the available information, we are unable to determine the clinical significance of this variant.

Ambry Genetics
Classification: Likely benign for Hereditary cancer-predisposing syndrome. Last evaluated: 2025-07-21. Review status: criteria provided, single submitter. Criteria: Ambry Variant Classification Scheme 2023. Collection method: clinical testing. Allele origin: germline.

GeneDx
Classification: Uncertain significance. Last evaluated: 2024-10-22. Review status: criteria provided, single submitter. Criteria: GeneDx Variant Classification Process June 2021. Collection method: clinical testing. Allele origin: germline. Affected: yes.
Comment: Not reported in any cases, but was observed in the population controls in a breast cancer study (PMID: 30630528); Not observed at significant frequency in large population cohorts (gnomAD); In silico analysis supports that this missense variant has a deleterious effect on protein structure/function; Also known as 4355G>T; This variant is associated with the following publications: (PMID: 32377563, 29884841, 31911673, 30630528)

University of Washington Department of Laboratory Medicine, University of Washington
Classification: Likely benign for Hereditary cancer-predisposing syndrome. Last evaluated: 2023-03-23. Review status: criteria provided, single submitter. Criteria: Dines et al. (Genet Med. 2020). Collection method: curation. Allele origin: germline.
Comment: Missense variant in a coldspot region where missense variants are very unlikely to be pathogenic (PMID:31911673).

BRCA2 exon 11 coldspot. Reclassification based on statistical prior probability.

Baylor Genetics
Classification: Uncertain significance for Breast-ovarian cancer, familial, susceptibility to, 2. Last evaluated: 2021-01-26. Review status: criteria provided, single submitter. Criteria: ACMG Guidelines, 2015. Collection method: clinical testing. Allele origin: paternal. Affected: yes. Study: CSER-TexasKidsCanSeq.
Comment: This variant was determined to be of uncertain significance according to ACMG Guidelines, 2015 [PMID:25741868].

Color Diagnostics, LLC DBA Color Health
Classification: Uncertain significance for Hereditary cancer-predisposing syndrome. Last evaluated: 2019-05-31. Review status: criteria provided, single submitter. Criteria: ACMG Guidelines, 2015. Collection method: clinical testing. Allele origin: germline.

Literature cited by the submitters: PubMed 36922933 (cited by Labcorp Genetics (formerly Invitae), Labcorp and Quest Diagnostics Nichols Institute San Juan Capistrano); PubMed 30702160 (cited by Quest Diagnostics Nichols Institute San Juan Capistrano); PubMed 29884841 (cited by Quest Diagnostics Nichols Institute San Juan Capistrano); PubMed 30630528 (cited by Quest Diagnostics Nichols Institute San Juan Capistrano); PubMed 31911673 (cited by Quest Diagnostics Nichols Institute San Juan Capistrano).

NM_000059.4(BRCA2):c.4127G>T (p.Gly1376Val)

Gene: BRCA2 (BRCA2 DNA repair associated; plus strand). Cytogenetic location: 13q13.1.
Variant type: single nucleotide variant.
Coding change: c.4127G>T on transcript NM_000059.4 (MANE Select); coding-DNA position 4127, G replaced by T.
Protein change: p.Gly1376Val; replaces glycine 1376 with valine.
Molecular consequence: missense variant.
Genome position (GRCh38, 1-based): chr13:32,338,482, G>T. VCF-style: chr13-32338482-G-T. GRCh37 (hg19) VCF-style: chr13-32912619-G-T.
Other names: short protein forms G1376V.
Identifiers: ClinVar variation 236862 (VCV000236862.25), dbSNP rs780458959, ClinGen allele CA6940752.
Genomic context (GRCh38, chr13:32,338,482, plus strand): 5'-TGCTATTTACTGATCAGCACAACATATGTCTTAAATTATCTGGCCAGTTTATGAAGGAGG[G>T]AAACACTCAGATTAAAGAAGATTTGTCAGATTTAACTTTTTTGGAAGTTGCGAAAGCTCA-3'
Protein context (NP_000050.3, residues 1366-1386): LKLSGQFMKE[Gly1376Val]NTQIKEDLSD